The following is an entry in ClinVar:

NM_000583.4(GC):c.1366A>T (p.Asn456Tyr)

Gene: GC (GC vitamin D binding protein; minus strand). Cytogenetic location: 4q13.3.
Variant type: single nucleotide variant.
Coding change: c.1366A>T on transcript NM_000583.4 (MANE Select); coding-DNA position 1366, A replaced by T.
Protein change: p.Asn456Tyr; replaces asparagine 456 with tyrosine.
Molecular consequence: missense variant.
Genome position (GRCh38, 1-based): chr4:71,752,547, T>A on the plus strand (A>T on the coding strand, the complement: GC is on the minus strand). VCF-style: chr4-71752547-T-A. GRCh37 (hg19) VCF-style: chr4-72618264-T-A.
Other names: c.1366A>T, p.Asn456Tyr (NM_001204306.1); c.1423A>T, p.Asn475Tyr (NM_001204307.1); short protein forms N456Y, N475Y.
Identifiers: ClinVar variation 3242552 (VCV003242552.1), dbSNP rs2475817708.
Genomic context (GRCh38, chr4:71,752,547, plus strand): 5'-CCATGTTAAGTGGAGGGTTACATTTTCCTACCTCTGAATCACAGTAAAGAGGAGGTGAGT[T>A]TATGGAACAGCAGTTGGAGGCAAAGTCTGAGTGCTTGTTAACCAGCTTTGCCAGTTCCGT-3'
Protein context (NP_000574.2, residues 446-466): SDFASNCCSI[Asn456Tyr]SPPLYCDSEI

ClinVar aggregate classification (germline): no classifications from unflagged records (0 of 4 stars; one submission).

Conditions:
Chronic obstructive pulmonary disease. Also called: Chronic pulmonary obstruction. Identifiers: MedGen C0024117, MeSH D029424, MONDO:0005002, OMIM 606963, HP:0006510.

Submission:

Dr Mariam's Lab, University of the Punjab
Classification: Pathogenic for Chronic obstructive pulmonary disease. Review status: flagged submission. Collection method: case-control. Allele origin: germline. Affected: yes.
ClinVar note: Notes: This phenotype is not a monogenic disease. The terms P/LP are not appropriate.
ClinVar note: Reason: Other